The following is an entry in ClinVar:

ClinVar aggregate classification (germline): Uncertain significance (1 of 4 stars; one submission).

Conditions:
Nemaline myopathy 2 (NEM2). Also called: Nemaline myopathy 2, autosomal recessive. Identifiers: MedGen C1850569, MONDO:0009725, OMIM 256030.

gnomAD v4.1: 2 of 1,613,578 alleles (0.00012%); highest among the groups gnomAD compares: Non-Finnish European, 0.000085%; no homozygotes.

Submission:

Labcorp Genetics (formerly Invitae), Labcorp
Classification: Uncertain significance for Nemaline myopathy 2. Last evaluated: 2021-06-05. Review status: criteria provided, single submitter. Criteria: Invitae Variant Classification Sherloc (09022015). Collection method: clinical testing. Allele origin: germline.
Comment: This sequence change replaces lysine with threonine at codon 3871 of the NEB protein (p.Lys3871Thr). The lysine residue is moderately conserved and there is a moderate physicochemical difference between lysine and threonine. This variant is not present in population databases (ExAC no frequency). This variant has not been reported in the literature in individuals with NEB-related conditions. Algorithms developed to predict the effect of missense changes on protein structure and function are either unavailable or do not agree on the potential impact of this missense change (SIFT: "Deleterious"; PolyPhen-2: "Not Available"; Align-GVGD: "Class C0"). In summary, the available evidence is currently insufficient to determine the role of this variant in disease. Therefore, it has been classified as a Variant of Uncertain Significance.

NM_001164508.2(NEB):c.11612A>C (p.Lys3871Thr)

Gene: NEB (nebulin; minus strand). Cytogenetic location: 2q23.3.
Variant type: single nucleotide variant.
Coding change: c.11612A>C on transcript NM_001164508.2 (MANE Select); coding-DNA position 11612, A replaced by C.
Protein change: p.Lys3871Thr; replaces lysine 3871 with threonine.
Molecular consequence: missense variant.
Genome position (GRCh38, 1-based): chr2:151,612,379, T>G on the plus strand (A>C on the coding strand, the complement: NEB is on the minus strand). VCF-style: chr2-151612379-T-G. GRCh37 (hg19) VCF-style: chr2-152468893-T-G.
Other names: c.11612A>C, p.Lys3871Thr (NM_001164507.2, NM_001271208.2); c.10883A>C, p.Lys3628Thr (NM_004543.5); short protein forms K3628T, K3871T.
Identifiers: ClinVar variation 1953464 (VCV001953464.2), dbSNP rs761955993, ClinGen allele CA348780826.